The following is an entry in ClinVar:

NM_002460.4(IRF4):c.1162G>A (p.Gly388Arg)

Genes: IRF4 (interferon regulatory factor 4; plus strand), LOC129995575 (ATAC-STARR-seq lymphoblastoid active region 23845; plus strand). Cytogenetic location: 6p25.3.
Variant type: single nucleotide variant.
Coding change: c.1162G>A on transcript NM_002460.4 (MANE Select); coding-DNA position 1162, G replaced by A.
Protein change: p.Gly388Arg; replaces glycine 388 with arginine.
Molecular consequence: missense variant. On other transcripts: non-coding transcript variant (1).
Genome position (GRCh38, 1-based): chr6:405,080, G>A. VCF-style: chr6-405080-G-A. GRCh37 (hg19) VCF-style: chr6-405080-G-A.
Other names: NP_002451.2:p.(Gly388Arg); c.1159G>A, p.Gly387Arg (NM_001195286.2); short protein forms G387R, G388R.
Identifiers: ClinVar variation 3393340 (VCV003393340.2).
Genomic context (GRCh38, chr6:405,080, plus strand): 5'-CTGCAAGCGTTTGCTCACCACGGCCGCTCCCTGCCAAGATTCCAGGTGACTCTATGCTTT[G>A]GAGAGGAGTTTCCAGACCCTCAGAGGCAAAGAAAGCTCATCACAGCTCACGTGAGTCCTC-3'
Protein context (NP_002451.2, residues 378-398): LPRFQVTLCF[Gly388Arg]EEFPDPQRQR

ClinVar aggregate classification (germline): Uncertain significance (1 of 4 stars; one submission).

Conditions:
Skin/hair/eye pigmentation, variation in, 8 (SHEP8). Also called: SKIN/HAIR/EYE PIGMENTATION 8, BLUE/LIGHT EYE COLOR; SKIN/HAIR/EYE PIGMENTATION 8, FRECKLING/SUNBURN; SKIN/HAIR/EYE PIGMENTATION 8, BROWN HAIR; SKIN/HAIR/EYE PIGMENTATION 8, FAIR SKIN. Identifiers: MedGen C2673265, OMIM 611724.

Submission:

Paediatric Laboratory, Institute for Maternal and Child Health - IRCCS Burlo Garofolo
Classification: Uncertain significance for Skin/hair/eye pigmentation, variation in, 8. Last evaluated: 2024-12-02. Review status: criteria provided, single submitter. Criteria: ACMG Guidelines, 2015. Collection method: clinical testing. Allele origin: germline. Affected: yes.
Comment: The NM_002460.4:c.1162G>A variant is predicted to result in the substitution of the glycine residue at position 388 with an arginine. This variant is absent from the gnomAD v4.1.0 population database [PM2]. It occurs in a gene that exhibits relative intolerance to missense variations, as indicated by a Z-score > 2 for missense variants in gnomAD v4.1.0 [PP2]. Furthermore, multiple in silico prediction tools and metascores consistently indicate that the variant is likely damaging [PP3].